The following is an entry in ClinVar:

NM_017780.4(CHD7):c.8751G>C (p.Thr2917=)

Gene: CHD7 (chromodomain helicase DNA binding protein 7; plus strand). Cytogenetic location: 8q12.2.
Variant type: single nucleotide variant.
Coding change: c.8751G>C on transcript NM_017780.4 (MANE Select); coding-DNA position 8751, G replaced by C.
Protein change: p.Thr2917=; no amino-acid change (threonine 2917 retained).
Molecular consequence: synonymous variant.
Genome position (GRCh38, 1-based): chr8:60,865,690, G>C. VCF-style: chr8-60865690-G-C. GRCh37 (hg19) VCF-style: chr8-61778249-G-C.
Other names: c.8751G>C (NM_017780.3); c.2604G>C, p.Thr868= (NM_001316690.1).
Identifiers: ClinVar variation 1124217 (VCV001124217.11), dbSNP rs761033941, ClinGen allele CA461106453.
Genomic context (GRCh38, chr8:60,865,690, plus strand): 5'-AATGGCCCCGGGCCTCTTCTACCCATCCATGTTTCTACCTCCAGGACTGGGGGGATTGAC[G>C]CTGCCTGGGTTCCCAGCATTGGCAGGACTTCAGAATGCCGTGGGCTCCAGCGAAGAAAAG-3'
Protein context (NP_060250.2, residues 2907-2927): MFLPPGLGGL[Thr2917=]LPGFPALAGL

ClinVar aggregate classification (germline): Likely benign. Review status: criteria provided, multiple submitters, no conflicts (2 of 4 stars). 3 submissions from 3 submitters: Likely benign (3). Last evaluated 2026-09-01.

Conditions:
Inborn genetic diseases. Identifiers: MedGen C0950123, MeSH D030342.
CHARGE syndrome (CHARGE). Also called: Hittner Hirsch Kreh syndrome; CHARGE ASSOCIATION--COLOBOMA, HEART ANOMALY, CHOANAL ATRESIA, RETARDATION, GENITAL AND EAR ANOMALIES; Coloboma, heart anomaly, choanal atresia, retardation, genital and ear anomalies; CHARGE association; Hall-Hittner syndrome. Identifiers: Orphanet 138, MedGen C0265354, MONDO:0008965.

Allele frequency attached by ClinVar (database versions not stated): gnomAD 0.00001; TOPMed 0.00001.
gnomAD v4.1: 3 of 1,605,444 alleles (0.00019%); highest among the groups gnomAD compares: Admixed American, 0.0051%; no homozygotes.

Submissions (3):

CeGaT Center for Human Genetics Tuebingen
Classification: Likely benign. Last evaluated: 2026-09-01. Review status: criteria provided, single submitter. Criteria: CeGaT Center For Human Genetics Tuebingen Variant Classification Criteria Version 2. Collection method: clinical testing. Allele origin: germline. Affected: yes. Observed: 1 variant allele.
Comment: CHD7: BP4, BP7

Labcorp Genetics (formerly Invitae), Labcorp
Classification: Likely benign for CHARGE syndrome. Last evaluated: 2025-11-09. Review status: criteria provided, single submitter. Criteria: Invitae Variant Classification Sherloc (09022015). Collection method: clinical testing. Allele origin: germline.

Ambry Genetics
Classification: Likely benign for Inborn genetic diseases. Last evaluated: 2024-06-28. Review status: criteria provided, single submitter. Criteria: Ambry Variant Classification Scheme 2023. Collection method: clinical testing. Allele origin: germline.